The following is an entry in ClinVar:

NM_004629.2(FANCG):c.1543G>T (p.Ala515Ser)

Gene: FANCG (FA complementation group G; minus strand). Cytogenetic location: 9p13.3.
Variant type: single nucleotide variant.
Coding change: c.1543G>T on transcript NM_004629.2 (MANE Select); coding-DNA position 1543, G replaced by T.
Protein change: p.Ala515Ser; replaces alanine 515 with serine.
Molecular consequence: missense variant.
Genome position (GRCh38, 1-based): chr9:35,075,020, C>A on the plus strand (G>T on the coding strand, the complement: FANCG is on the minus strand). VCF-style: chr9-35075020-C-A. GRCh37 (hg19) VCF-style: chr9-35075017-C-A.
Other names: short protein forms A515S.
Identifiers: ClinVar variation 4871018 (VCV004871018.1).
Genomic context (GRCh38, chr9:35,075,020, plus strand): 5'-GTAAGGCTTTGGTATCCTGGCCGCTGGCTACCCATTCCAGTCCACGACTAATTAGGGCGG[C>A]TGCCCGAAGCTGCTGCAGTGCCGCATCTGACTTACATCCCTGCTCACAGTTGAAAGCTGC-3'
Protein context (NP_004620.1, residues 505-525): SDAALQQLRA[Ala515Ser]ALISRGLEWV

ClinVar aggregate classification (germline): Uncertain significance (1 of 4 stars; one submission).

Conditions:
Inborn genetic diseases. Identifiers: MedGen C0950123, MeSH D030342.

Submission:

Ambry Genetics
Classification: Uncertain significance for Inborn genetic diseases. Last evaluated: 2026-06-06. Review status: criteria provided, single submitter. Criteria: Ambry Variant Classification Scheme 2023. Collection method: clinical testing. Allele origin: germline.
Comment: The p.A515S variant (also known as c.1543G>T), located in coding exon 12 of the FANCG gene, results from a G to T substitution at nucleotide position 1543. The alanine at codon 515 is replaced by serine, an amino acid with similar properties. This amino acid position is conserved. In addition, this alteration is predicted to be tolerated by in silico analysis. Based on the available evidence, the clinical significance of this variant remains unclear.